The following is an entry in ClinVar:

NM_020975.6(RET):c.2138A>T (p.Glu713Val)

Gene: RET (ret proto-oncogene; plus strand). Cytogenetic location: 10q11.21.
Variant type: single nucleotide variant.
Coding change: c.2138A>T on transcript NM_020975.6 (MANE Select); coding-DNA position 2138, A replaced by T.
Protein change: p.Glu713Val; replaces glutamic acid 713 with valine.
Molecular consequence: missense variant.
Genome position (GRCh38, 1-based): chr10:43,116,585, A>T. VCF-style: chr10-43116585-A-T. GRCh37 (hg19) VCF-style: chr10-43612033-A-T.
Other names: c.1376A>T, p.Glu459Val (NM_001355216.2); c.2138A>T, p.Glu713Val (NM_001406743.1, NM_001406744.1, NM_001406759.1 and 2 more transcripts); c.2009A>T, p.Glu670Val (NM_001406761.1, NM_001406762.1, NM_001406764.1); c.2003A>T, p.Glu668Val (NM_001406763.1, NM_001406765.1); c.1850A>T, p.Glu617Val (NM_001406766.1, NM_001406767.1, NM_001406770.1); c.1874A>T, p.Glu625Val (NM_001406768.1); c.1742A>T, p.Glu581Val (NM_001406769.1, NM_001406772.1); c.1700A>T, p.Glu567Val (NM_001406771.1, NM_001406773.1); and 10 more; short protein forms E278V, E371V, E459V, E230V, E318V, E374V, E414V, E471V.
Identifiers: ClinVar variation 3432262 (VCV003432262.3).

ClinVar aggregate classification (germline): Uncertain significance. Review status: criteria provided, multiple submitters, no conflicts (2 of 4 stars). 2 submissions from 2 submitters: Uncertain significance (2). Last evaluated 2024-09-19.

Conditions:
Hereditary cancer-predisposing syndrome. Also called: Neoplastic Syndromes, Hereditary; Tumor predisposition; Hereditary Cancer Syndrome; Hereditary neoplastic syndrome. Identifiers: Orphanet 140162, MedGen C0027672, MeSH D009386, MONDO:0015356.
Multiple endocrine neoplasia, type 2 (MEN2). Identifiers: Orphanet 653, MedGen C4048306, MONDO:0019003. Disease mechanism: gain of function.

gnomAD v4.1: 2 of 1,519,928 alleles (0.00013%); highest among the groups gnomAD compares: Non-Finnish European, 0.00018%; no homozygotes.

Submissions (2):

Ambry Genetics
Classification: Uncertain significance for Hereditary cancer-predisposing syndrome. Last evaluated: 2024-09-19. Review status: criteria provided, single submitter. Criteria: Ambry Variant Classification Scheme 2023. Collection method: clinical testing. Allele origin: germline.
Comment: The p.E713V variant (also known as c.2138A>T), located in coding exon 12 of the RET gene, results from an A to T substitution at nucleotide position 2138. The glutamic acid at codon 713 is replaced by valine, an amino acid with dissimilar properties. This amino acid position is conserved. In addition, the in silico prediction for this alteration is inconclusive. Based on the available evidence, the clinical significance of this variant remains unclear.

Labcorp Genetics (formerly Invitae), Labcorp
Classification: Uncertain significance for Multiple endocrine neoplasia, type 2. Last evaluated: 2024-04-09. Review status: criteria provided, single submitter. Criteria: Invitae Variant Classification Sherloc (09022015). Collection method: clinical testing. Allele origin: germline.
Comment: This sequence change replaces glutamic acid, which is acidic and polar, with valine, which is neutral and non-polar, at codon 713 of the RET protein (p.Glu713Val). This variant is not present in population databases (gnomAD no frequency). This variant has not been reported in the literature in individuals affected with RET-related conditions. An algorithm developed to predict the effect of missense changes on protein structure and function (PolyPhen-2) suggests that this variant is likely to be tolerated. In summary, the available evidence is currently insufficient to determine the role of this variant in disease. Therefore, it has been classified as a Variant of Uncertain Significance.